The following is an entry in ClinVar:

ClinVar aggregate classification (germline): Likely pathogenic (1 of 4 stars; one submission).

Conditions:
Donnai-Barrow syndrome. Also called: DBS/FOAR SYNDROME; FACIOOCULOACOUSTICORENAL SYNDROME. Identifiers: Orphanet 2143, MedGen C1857277, MONDO:0009104, OMIM 222448.

gnomAD v4.1: 2 of 1,550,022 alleles (0.00013%); highest among the groups gnomAD compares: Non-Finnish European, 0.00018%; no homozygotes.

Submission:

Myriad Genetics, Inc.
Classification: Likely pathogenic for Donnai-Barrow syndrome. Last evaluated: 2026-03-31. Review status: criteria provided, single submitter. Criteria: Myriad Autosomal Dominant, Autosomal Recessive and X-Linked Classification Criteria (2023). Collection method: clinical testing. Allele origin: unknown.
Comment: NM_004525.2(LRP2):c.311-2A>G is a variant in a canonical splice site classified as likely pathogenic in the context of Donnai-Barrow syndrome. c.311-2A>G has not been observed in cases with relevant disease. Relevant functional assessments of this variant are not available in the literature. c.311-2A>G has not been observed in referenced population frequency databases. In summary, NM_004525.2(LRP2):c.311-2A>G is a variant in a canonical splice site in a gene where loss of function is a known mechanism of disease and is predicted to disrupt protein function. Please note: this variant was assessed in the context of healthy population screening.

NM_004525.3(LRP2):c.311-2A>G

Gene: LRP2 (LDL receptor related protein 2; minus strand). Cytogenetic location: 2q31.1.
Variant type: single nucleotide variant.
Coding change: c.311-2A>G on transcript NM_004525.3 (MANE Select); the canonical splice acceptor site of the intron before coding-DNA position 311, A replaced by G.
Molecular consequence: splice acceptor variant.
Genome position (GRCh38, 1-based): chr2:169,307,399, T>C on the plus strand (A>G on the coding strand, the complement: LRP2 is on the minus strand). VCF-style: chr2-169307399-T-C. GRCh37 (hg19) VCF-style: chr2-170163909-T-C.
Identifiers: ClinVar variation 5004572 (VCV005004572.1).